The following is an entry in ClinVar:

NM_004006.3(DMD):c.144G>A (p.Arg48=)

Gene: DMD (dystrophin; minus strand). Cytogenetic location: Xp21.1.
Variant type: single nucleotide variant.
Coding change: c.144G>A on transcript NM_004006.3 (MANE Select); coding-DNA position 144, G replaced by A.
Protein change: p.Arg48=; no amino-acid change (arginine 48 retained).
Molecular consequence: synonymous variant. On other transcripts: 5 prime UTR variant (1).
Genome position (GRCh38, 1-based): chrX:32,849,770, C>T on the plus strand (G>A on the coding strand, the complement: DMD is on the minus strand). VCF-style: chrX-32849770-C-T. GRCh37 (hg19) VCF-style: chrX-32867887-C-T.
Other names: c.120G>A, p.Arg40= (NM_000109.4); c.132G>A, p.Arg44= (NM_004009.3); c.-226G>A (NM_004010.3).
Identifiers: ClinVar variation 385831 (VCV000385831.9), dbSNP rs577671071, ClinGen allele CA16608906.
Genomic context (GRCh38, chrX:32,849,770, plus strand): 5'-TAAAAATAAGTCACATACCAGTTTTTGCCCTGTCAGGCCTTCGAGGAGGTCTAGGAGGCG[C>T]CTCCCATCCTGTAGGTCACTGAAGAGGTTCTCAATATGCTGCTTCCCAAACTGAAATTAA-3'
Protein context (NP_003997.2, residues 38-58): ENLFSDLQDG[Arg48=]RLLDLLEGLT

ClinVar aggregate classification (germline): Likely benign. Review status: criteria provided, multiple submitters, no conflicts (2 of 4 stars). 2 submissions from 2 submitters: Likely benign (2). Last evaluated 2025-01-11.

Conditions:
Duchenne muscular dystrophy (DMD). Also called: MUSCULAR DYSTROPHY, PSEUDOHYPERTROPHIC PROGRESSIVE, DUCHENNE TYPE; Duchenne Muscular Dystrophy (DMD). Identifiers: Orphanet 98896, MedGen C0013264, MONDO:0010679, OMIM 310200.

Allele frequency attached by ClinVar (database versions not stated): gnomAD exomes 0.00001; TOPMed 0.00001.
gnomAD v4.1: 8 of 1,209,644 alleles (0.00066%); highest among the groups gnomAD compares: African/African-American, 0.0017%; no homozygotes.

Submissions (2):

Labcorp Genetics (formerly Invitae), Labcorp
Classification: Likely benign for Duchenne muscular dystrophy. Last evaluated: 2025-01-11. Review status: criteria provided, single submitter. Criteria: Invitae Variant Classification Sherloc (09022015). Collection method: clinical testing. Allele origin: germline.

GeneDx
Classification: Likely benign. Last evaluated: 2016-05-23. Review status: criteria provided, single submitter. Criteria: GeneDx Variant Classification (06012015). Collection method: clinical testing. Allele origin: germline. Affected: yes.
Comment: This variant is considered likely benign or benign based on one or more of the following criteria: it is a conservative change, it occurs at a poorly conserved position in the protein, it is predicted to be benign by multiple in silico algorithms, and/or has population frequency not consistent with disease.